The following is an entry in ClinVar:

ClinVar aggregate classification (germline): Uncertain significance (1 of 4 stars; one submission).

Conditions:
Cardiovascular phenotype. Identifiers: MedGen CN230736.
Hereditary cancer-predisposing syndrome. Also called: Hereditary Cancer Syndrome; Hereditary neoplastic syndrome; Neoplastic Syndromes, Hereditary; Tumor predisposition. Identifiers: Orphanet 140162, MedGen C0027672, MeSH D009386, MONDO:0015356.

Submission:

Ambry Genetics
Classification: Uncertain significance for Cardiovascular phenotype; Hereditary cancer-predisposing syndrome. Last evaluated: 2022-03-25. Review status: criteria provided, single submitter. Criteria: Ambry Variant Classification Scheme 2023. Collection method: clinical testing. Allele origin: germline.
Comment: The c.1334_1336delTGG variant (also known as p.V445del) is located in coding exon 12 of the LZTR1 gene. This variant results from an in-frame TGG deletion at nucleotide positions 1334 to 1336. This results in the in-frame deletion of a valine at codon 445. This amino acid position is well conserved in available vertebrate species. In addition, this alteration is predicted to be deleterious by in silico analysis (Choi Y et al. PLoS ONE. 2012; 7(10):e46688). Since supporting evidence is limited at this time, the clinical significance of this alteration remains unclear.

NM_006767.4(LZTR1):c.1334_1336del (p.Val445del)

Gene: LZTR1 (leucine zipper like post translational regulator 1; plus strand). Cytogenetic location: 22q11.21.
Variant type: Deletion.
Coding change: c.1334_1336del on transcript NM_006767.4 (MANE Select); coding-DNA positions 1334 to 1336, 3 bases deleted (TGG; older notation c.1334_1336delTGG).
Protein change: p.Val445del; deletes valine 445.
Molecular consequence: inframe deletion.
Genome position (GRCh38, 1-based): chr22:20,993,735-20,993,737, TGG deleted; deleting any 3 consecutive bases within chr22:20,993,734-20,993,737 gives the same sequence; the c. name uses the placement nearest the transcript's 3' end. VCF-style (leftmost placement, unchanged base first): chr22-20993733-CGTG-C. GRCh37 (hg19) VCF-style: chr22-21348022-CGTG-C.
Other names: short protein forms V445del.
Identifiers: ClinVar variation 1770206 (VCV001770206.2), dbSNP rs2518620047, ClinGen allele CA2580099156.